The following is an entry in ClinVar:

NM_139343.3(BIN1):c.1006C>T (p.Arg336Trp)

Gene: BIN1 (bridging integrator 1; minus strand). Cytogenetic location: 2q14.3.
Variant type: single nucleotide variant.
Coding change: c.1006C>T on transcript NM_139343.3 (MANE Select); coding-DNA position 1006, C replaced by T.
Protein change: p.Arg336Trp; replaces arginine 336 with tryptophan.
Molecular consequence: missense variant. On other transcripts: intron variant (9).
Genome position (GRCh38, 1-based): chr2:127,057,598, G>A on the plus strand (C>T on the coding strand, the complement: BIN1 is on the minus strand). VCF-style: chr2-127057598-G-A. GRCh37 (hg19) VCF-style: chr2-127815174-G-A.
Other names: c.1006C>T, p.Arg336Trp (NM_001320640.2); c.913C>T, p.Arg305Trp (NM_001320641.2, NM_139347.3, NM_139348.3); c.925C>T, p.Arg309Trp (NM_001320642.1); c.958C>T, p.Arg320Trp (NM_139346.3); c.837+1413C>T (NM_001320634.1); c.909+1413C>T (NM_139351.3, NM_139350.3, NM_139349.3); c.954+1413C>T (NM_001320632.2, NM_004305.4); c.1002+1413C>T (NM_001320633.2, NM_139345.3, NM_139344.3); short protein forms R305W, R309W, R320W, R336W.
Identifiers: ClinVar variation 1302671 (VCV001302671.5), dbSNP rs76037557, ClinGen allele CA1857197.

ClinVar aggregate classification (germline): Uncertain significance. Review status: criteria provided, multiple submitters, no conflicts (2 of 4 stars). 2 submissions from 2 submitters: Uncertain significance (2). Last evaluated 2024-11-10.

Conditions:
Myopathy, centronuclear, 2 (CNM2). Also called: MYOTUBULAR MYOPATHY, AUTOSOMAL RECESSIVE. Identifiers: Orphanet 169186, MedGen CN031787, MONDO:0009709, OMIM 255200.

Allele frequency attached by ClinVar (database versions not stated): gnomAD 0.00014; ESP Exome Variant Server 0.00025; 1000 Genomes Project 0.00020; TOPMed 0.00010; gnomAD exomes 0.00003; ExAC 0.00006; 1000 Genomes Project 30x 0.00016.

Submissions (2):

Labcorp Genetics (formerly Invitae), Labcorp
Classification: Uncertain significance for Myopathy, centronuclear, 2. Last evaluated: 2024-11-10. Review status: criteria provided, single submitter. Criteria: Invitae Variant Classification Sherloc (09022015). Collection method: clinical testing. Allele origin: germline.
Comment: This sequence change replaces arginine, which is basic and polar, with tryptophan, which is neutral and slightly polar, at codon 336 of the BIN1 protein (p.Arg336Trp). The frequency data for this variant in the population databases is considered unreliable, as metrics indicate poor data quality at this position in the gnomAD database. This variant has not been reported in the literature in individuals affected with BIN1-related conditions. ClinVar contains an entry for this variant (Variation ID: 1302671). An algorithm developed to predict the effect of missense changes on protein structure and function (PolyPhen-2) suggests that this variant is likely to be disruptive. In summary, the available evidence is currently insufficient to determine the role of this variant in disease. Therefore, it has been classified as a Variant of Uncertain Significance.

GeneDx
Classification: Uncertain significance. Last evaluated: 2019-01-08. Review status: criteria provided, single submitter. Criteria: GeneDx Variant Classification Process June 2021. Collection method: clinical testing. Allele origin: germline. Affected: yes.
Comment: The majority of missense variants in this gene are considered pathogenic (Stenson et al., 2014); In silico analysis, which includes protein predictors and evolutionary conservation, supports a deleterious effect; Has not been previously published as pathogenic or benign to our knowledge